The following is an entry in ClinVar:

NM_177438.3(DICER1):c.850T>A (p.Cys284Ser)

Gene: DICER1 (dicer 1, ribonuclease III; minus strand). Cytogenetic location: 14q32.13.
Variant type: single nucleotide variant.
Coding change: c.850T>A on transcript NM_177438.3 (MANE Select); coding-DNA position 850, T replaced by A.
Protein change: p.Cys284Ser; replaces cysteine 284 with serine.
Molecular consequence: missense variant.
Genome position (GRCh38, 1-based): chr14:95,126,633, A>T on the plus strand (T>A on the coding strand, the complement: DICER1 is on the minus strand). VCF-style: chr14-95126633-A-T. GRCh37 (hg19) VCF-style: chr14-95592970-A-T.
Other names: c.850T>A, p.Cys284Ser (NM_001195573.1, NM_001271282.3, NM_001291628.2 and 1 more transcripts); short protein forms C284S.
Identifiers: ClinVar variation 954550 (VCV000954550.11), dbSNP rs1412252643, ClinGen allele CA390887534.
Genomic context (GRCh38, chr14:95,126,633, plus strand): 5'-TGCTTACCTGTTTCGAAATTAAAGTAGAATCTCTTTCTTTTGAATGTACAGATATATTAC[A>T]ATCATTGATAAAATTAAGTGCTTCTTCTAATTCCATCAGCAGTCTTTCATAAAGCCCACT-3'
Protein context (NP_803187.1, residues 274-294): LEEALNFIND[Cys284Ser]NISVHSKERD

ClinVar aggregate classification (germline): Uncertain significance (1 of 4 stars; one submission).

Conditions:
DICER1-related tumor predisposition. Also called: DICER1 syndrome; DICER1-related pleuropulmonary blastoma cancer predisposition syndrome. Identifiers: Orphanet 284343, MedGen C3839822, MONDO:0100216.

Submission:

Labcorp Genetics (formerly Invitae), Labcorp
Classification: Uncertain significance for DICER1-related tumor predisposition. Last evaluated: 2019-08-25. Review status: criteria provided, single submitter. Criteria: Invitae Variant Classification Sherloc (09022015). Collection method: clinical testing. Allele origin: germline.
Comment: In summary, the available evidence is currently insufficient to determine the role of this variant in disease. Therefore, it has been classified as a Variant of Uncertain Significance. Algorithms developed to predict the effect of sequence changes on RNA splicing suggest that this variant may create or strengthen a splice site, but this prediction has not been confirmed by published transcriptional studies. Algorithms developed to predict the effect of missense changes on protein structure and function (SIFT, PolyPhen-2, Align-GVGD) all suggest that this variant is likely to be tolerated, but these predictions have not been confirmed by published functional studies and their clinical significance is uncertain. This variant has not been reported in the literature in individuals with DICER1-related conditions. This variant is not present in population databases (ExAC no frequency). This sequence change replaces cysteine with serine at codon 284 of the DICER1 protein (p.Cys284Ser). The cysteine residue is highly conserved and there is a moderate physicochemical difference between cysteine and serine.